The following is an entry in ClinVar:

NC_000016.9:g.(?_53708919)_(53709044_?)del

Gene: RPGRIP1L (RPGRIP1 like; minus strand). Cytogenetic location: 16q12.2.
Variant type: Deletion.
Identifiers: ClinVar variation 1456488 (VCV001456488.8).

ClinVar aggregate classification (germline): Pathogenic (1 of 4 stars; one submission).

Conditions:
Meckel-Gruber syndrome. Also called: DYSENCEPHALIA SPLANCHNOCYSTICA; GRUBER SYNDROME; Dysencephalia splachnocystica. Identifiers: Orphanet 564, MedGen C0265215, MONDO:0018921.
Joubert syndrome. Also called: CEREBELLOPARENCHYMAL DISORDER IV; JOUBERT-BOLTSHAUSER SYNDROME; Familial aplasia of the vermis. Identifiers: Orphanet 475, MedGen C5979921, MONDO:0018772.

Submission:

Labcorp Genetics (formerly Invitae), Labcorp
Classification: Pathogenic for Joubert syndrome; Meckel-Gruber syndrome. Last evaluated: 2020-11-13. Review status: criteria provided, single submitter. Criteria: Invitae Variant Classification Sherloc (09022015). Collection method: clinical testing. Allele origin: germline.
Comment: For these reasons, this variant has been classified as Pathogenic. This variant has not been reported in the literature in individuals with RPGRIP1L-related conditions. This variant is a gross deletion of the genomic region encompassing exon(s) 7 of the RPGRIP1L gene. This deletion is out-of-frame, and is expected to create a premature translational stop signal and result in an absent or disrupted protein product. Loss-of-function variants in RPGRIP1L are known to be pathogenic (PMID: 17558409).

Literature cited by the submitters: PubMed 17558409.